The following is an entry in ClinVar:

NM_000521.4(HEXB):c.1413del (p.Phe471fs)

Gene: HEXB (hexosaminidase subunit beta; plus strand). Cytogenetic location: 5q13.3.
Variant type: Deletion.
Coding change: c.1413del on transcript NM_000521.4 (MANE Select); coding-DNA position 1413, one base deleted (T; older notation c.1413delT).
Protein change: p.Phe471fs; shifts the reading frame from phenylalanine 471.
Molecular consequence: frameshift variant.
Genome position (GRCh38, 1-based): chr5:74,718,967, T deleted; the last of 4 consecutive T bases (chr5:74,718,964-74,718,967); deleting any one gives the same sequence. VCF-style (leftmost placement, unchanged base first): chr5-74718963-AT-A. GRCh37 (hg19) VCF-style: chr5-74014788-AT-A.
Other names: c.738del, p.Phe246fs (NM_001292004.2); short protein forms F471fs, F246fs.
Identifiers: ClinVar variation 5003429 (VCV005003429.1).

ClinVar aggregate classification (germline): Pathogenic (1 of 4 stars; one submission).

Conditions:
Sandhoff disease. Also called: Beta-hexosaminidase-beta-subunit deficiency; GM2 gangliosidosis, type 2; Total hexosaminidase deficiency; Sandhoff-Jatzkewitz-Pilz disease; GM2-GANGLIOSIDOSIS, TYPE II; HEXOSAMINIDASES A AND B DEFICIENCY. Identifiers: Orphanet 796, MedGen C0036161, MONDO:0010006, OMIM 268800.

Submission:

Myriad Genetics, Inc.
Classification: Pathogenic for Sandhoff disease. Last evaluated: 2025-12-03. Review status: criteria provided, single submitter. Criteria: Myriad Autosomal Dominant, Autosomal Recessive and X-Linked Classification Criteria (2023). Collection method: clinical testing. Allele origin: unknown.
Comment: NM_000521.3(HEXB):c.1413delT(F471Lfs*59) is a frameshift variant classified as pathogenic in the context of Sandhoff disease. F471Lfs*59 has not been observed in cases with relevant disease. Relevant functional assessments of this variant are not available in the literature. F471Lfs*59 has not been observed in referenced population frequency databases. In summary, NM_000521.3(HEXB):c.1413delT(F471Lfs*59) is a frameshift variant in a gene where loss of function is a known mechanism of disease and is predicted to disrupt protein function. Please note: this variant was assessed in the context of healthy population screening.